The following is an entry in ClinVar:

NM_000127.3(EXT1):c.1285-1G>C

Gene: EXT1 (exostosin glycosyltransferase 1; minus strand). Cytogenetic location: 8q24.11.
Variant type: single nucleotide variant.
Coding change: c.1285-1G>C on transcript NM_000127.3 (MANE Select); the canonical splice acceptor site of the intron before coding-DNA position 1285, G replaced by C.
Molecular consequence: splice acceptor variant.
Genome position (GRCh38, 1-based): chr8:117,822,598, C>G on the plus strand (G>C on the coding strand, the complement: EXT1 is on the minus strand). VCF-style: chr8-117822598-C-G. GRCh37 (hg19) VCF-style: chr8-118834837-C-G.
Identifiers: ClinVar variation 870448 (VCV000870448.4), dbSNP rs1811943967, ClinGen allele CA371888215.
Genomic context (GRCh38, chr8:117,822,598, plus strand): 5'-ATGTTTGTTCCATATTAAACTGTTACGTGATATGTGCTTGAATATTCTGTCCTGAATAAT[C>G]TAGAAAATAAAACATAGCACACAGTGAGGATGAGATCCTGATGATATTTGGAAAGGATGA-3'

ClinVar aggregate classification (germline): Pathogenic. Review status: criteria provided, multiple submitters, no conflicts (2 of 4 stars). 2 submissions from 2 submitters: Pathogenic (2). Last evaluated 2021-10-19.

Conditions:
Multiple congenital exostosis (EXT). Also called: MULTIPLE CARTILAGINOUS EXOSTOSES; Hereditary multiple osteochondromas; Multiple osteochondromas; Multiple exostoses; Hereditary multiple exostoses; Hereditary multiple exostosis. Identifiers: Orphanet 321, MedGen C0015306, MONDO:0005508, HP:0002762.
EXT1-related disorders.

Submissions (2):

Blueprint Genetics
Classification: Pathogenic for EXT1-related disorders. Last evaluated: 2021-10-19. Review status: criteria provided, single submitter. Criteria: ACMG Guidelines, 2015. Collection method: clinical testing. Allele origin: germline. Affected: yes. Observed: 1 variant allele.

Service de Biochimie Médicale et Biologie Moléculaire, CHU Clermont-Ferrand
Classification: Pathogenic for Exostoses, multiple, type 1. Last evaluated: 2020-03-30. Review status: criteria provided, single submitter. Criteria: ACMG Guidelines, 2015. Collection method: clinical testing. Allele origin: maternal. Inheritance: Autosomal dominant inheritance. Affected: yes. Observed: 1 heterozygote.
Comment: Described several times in LOVD database and not referenced in ExAC or gnomAD. Affects acceptor splice of exon 5 with loss predicted by HSF and MaxEnt Scan. Segregation study in affected members shows that the variant co-segregates with the pathology in the family.